The following is an entry in ClinVar:

NM_152564.5(VPS13B):c.2291G>T (p.Ser764Ile)

Gene: VPS13B (vacuolar protein sorting 13 homolog B; plus strand). Cytogenetic location: 8q22.2.
Variant type: single nucleotide variant.
Coding change: c.2291G>T on transcript NM_152564.5 (MANE Select); coding-DNA position 2291, G replaced by T.
Protein change: p.Ser764Ile; replaces serine 764 with isoleucine.
Molecular consequence: missense variant.
Genome position (GRCh38, 1-based): chr8:99,170,121, G>T. VCF-style: chr8-99170121-G-T. GRCh37 (hg19) VCF-style: chr8-100182349-G-T.
Other names: c.2291G>T, p.Ser764Ile (NM_015243.3, NM_017890.5); short protein forms S764I.
Identifiers: ClinVar variation 2073117 (VCV002073117.3), dbSNP rs1410139713, ClinGen allele CA371865462.

ClinVar aggregate classification (germline): Uncertain significance. Review status: criteria provided, multiple submitters, no conflicts (2 of 4 stars). 2 submissions from 2 submitters: Uncertain significance (2). Last evaluated 2023-10-03.

Conditions:
Cohen syndrome (COH1). Also called: PEPPER SYNDROME; Cutis verticis gyrata, retinitis pigmentosa, and sensorineural deafness. Identifiers: Orphanet 193, MedGen C0265223, MONDO:0008999, OMIM 216550.

Allele frequency attached by ClinVar (database versions not stated): gnomAD 0.00002.
gnomAD v4.1: 4 of 1,612,760 alleles (0.00025%); highest among the groups gnomAD compares: Non-Finnish European, 0.00034%; no homozygotes.

Submissions (2):

Labcorp Genetics (formerly Invitae), Labcorp
Classification: Uncertain significance for Cohen syndrome. Last evaluated: 2023-10-03. Review status: criteria provided, single submitter. Criteria: Invitae Variant Classification Sherloc (09022015). Collection method: clinical testing. Allele origin: germline.
Comment: This sequence change replaces serine, which is neutral and polar, with isoleucine, which is neutral and non-polar, at codon 764 of the VPS13B protein (p.Ser764Ile). This variant is present in population databases (no rsID available, gnomAD 0.007%). This variant has not been reported in the literature in individuals affected with VPS13B-related conditions. ClinVar contains an entry for this variant (Variation ID: 2073117). Advanced modeling of protein sequence and biophysical properties (such as structural, functional, and spatial information, amino acid conservation, physicochemical variation, residue mobility, and thermodynamic stability) performed at Invitae indicates that this missense variant is expected to disrupt VPS13B protein function. In summary, the available evidence is currently insufficient to determine the role of this variant in disease. Therefore, it has been classified as a Variant of Uncertain Significance.

Blueprint Genetics
Classification: Uncertain significance. Last evaluated: 2019-08-12. Review status: criteria provided, single submitter. Criteria: ACMG Guidelines, 2015. Collection method: clinical testing. Allele origin: germline.